The following is an entry in ClinVar:

ClinVar aggregate classification (germline): Pathogenic (1 of 4 stars; one submission).

Allele frequency attached by ClinVar (database versions not stated): gnomAD exomes 0.00002.
gnomAD v4.1: 24 of 1,614,216 alleles (0.0015%); highest among the groups gnomAD compares: Non-Finnish European, 0.0019%; no homozygotes.

Submission:

Labcorp Genetics (formerly Invitae), Labcorp
Classification: Pathogenic. Last evaluated: 2024-01-16. Review status: criteria provided, single submitter. Criteria: Invitae Variant Classification Sherloc (09022015). Collection method: clinical testing. Allele origin: germline.
Comment: This sequence change creates a premature translational stop signal (p.Arg2371*) in the TG gene. It is expected to result in an absent or disrupted protein product. Loss-of-function variants in TG are known to be pathogenic (PMID: 19837936, 23164529). This variant is present in population databases (no rsID available, gnomAD 0.0009%). This premature translational stop signal has been observed in individual(s) with clinical features of thyroid dyshormonogenesis (PMID: 31430255). For these reasons, this variant has been classified as Pathogenic.

Literature cited by the submitters: PubMed 19837936; PubMed 23164529; PubMed 31430255.

NM_003235.5(TG):c.7111C>T (p.Arg2371Ter)

Gene: TG (thyroglobulin; plus strand). Cytogenetic location: 8q24.22.
Variant type: single nucleotide variant.
Coding change: c.7111C>T on transcript NM_003235.5 (MANE Select); coding-DNA position 7111, C replaced by T.
Protein change: p.Arg2371Ter; replaces arginine 2371 with a stop codon.
Molecular consequence: nonsense.
Genome position (GRCh38, 1-based): chr8:133,029,895, C>T. VCF-style: chr8-133029895-C-T. GRCh37 (hg19) VCF-style: chr8-134042140-C-T.
Other names: short protein forms R2371*.
Identifiers: ClinVar variation 2732212 (VCV002732212.3), dbSNP rs1410846026, ClinGen allele CA372238138.